The following is an entry in ClinVar:

NM_001009944.3(PKD1):c.2308dup (p.Arg770fs)

Gene: PKD1 (polycystin 1, transient receptor potential channel interacting; minus strand). Cytogenetic location: 16p13.3.
Variant type: Duplication.
Coding change: c.2308dup on transcript NM_001009944.3 (MANE Select); coding-DNA position 2308, one base duplicated (C; older notation c.2308dupC).
Protein change: p.Arg770fs; shifts the reading frame from arginine 770.
Molecular consequence: frameshift variant.
Genome position (GRCh38, 1-based): chr16:2,114,715, G duplicated on the plus strand (C on the coding strand, the reverse complement: PKD1 is on the minus strand). VCF-style (leftmost placement, unchanged base first): chr16-2114714-C-CG. GRCh37 (hg19) VCF-style: chr16-2164715-C-CG.
Other names: c.2308dup, p.Arg770fs (NM_000296.4); c.2308dupC (NM_001009944.3); short protein forms R770fs.
Identifiers: ClinVar variation 977519 (VCV000977519.3), dbSNP rs2092600549, ClinGen allele CA1139664359.

ClinVar aggregate classification (germline): Pathogenic. Review status: criteria provided, multiple submitters, no conflicts (2 of 4 stars). 3 submissions from 3 submitters: Pathogenic (3). Last evaluated 2025-05-01.

Conditions:
Polycystic kidney disease, adult type (PKD1). Also called: Polycystic Kidney Disease 1, Autosomal Dominant; Polycystic kidney disease 1; Polycystic kidney disease 1, severe; Polycystic Kidney, Autosomal Dominant; POLYCYSTIC KIDNEY DISEASE 1 WITH OR WITHOUT POLYCYSTIC LIVER DISEASE; POLYCYSTIC KIDNEY DISEASE, ADULT, TYPE I. Identifiers: MedGen C3149841, MONDO:0008263, OMIM 173900.

Submissions (3):

Women's Health and Genetics/Laboratory Corporation of America, LabCorp
Classification: Pathogenic for Polycystic kidney disease, adult type. Last evaluated: 2025-05-01. Review status: criteria provided, single submitter. Criteria: LabCorp Variant Classification Summary - May 2015. Collection method: clinical testing. Allele origin: germline.
Comment: Variant summary: PKD1 c.2308dupC (p.Arg770ProfsX28) results in a premature termination codon, predicted to cause a truncation of the encoded protein or absence of the protein due to nonsense mediated decay, which are commonly known mechanisms for disease. The variant was absent in 136406 control chromosomes. c.2308dupC has been observed in individual(s) affected with Polycystic Kidney Disease 1 (Rosetti_2003). To our knowledge, no experimental evidence demonstrating an impact on protein function has been reported. The following publication have been ascertained in the context of this evaluation (PMID: 12842373). ClinVar contains an entry for this variant (Variation ID: 977519). Based on the evidence outlined above, the variant was classified as pathogenic.

Fulgent Genetics
Classification: Pathogenic for Polycystic kidney disease, adult type. Last evaluated: 2022-05-18. Review status: criteria provided, single submitter. Criteria: ACMG Guidelines, 2015. Collection method: clinical testing. Allele origin: unknown.

Arkana Molecular Diagnostic Laboratory, Arkana Laboratories
Classification: Pathogenic for Polycystic kidney disease, adult type. Last evaluated: 2020-03-23. Review status: criteria provided, single submitter. Criteria: ACMG Guidelines, 2015. Collection method: clinical testing. Allele origin: inherited. Affected: yes. Observed: 1 variant allele.
Comment: NGS of Sage-HLS-CAPTURE enriched PKD1 with Sanger sequencing confirmation; GRCh38.

Literature cited by the submitters: PubMed 12842373 (cited by Women's Health and Genetics/Laboratory Corporation of America, LabCorp).